The following is an entry in ClinVar:

NM_152296.5(ATP1A3):c.1012_1014del (p.Ala338del)

Gene: ATP1A3 (ATPase Na+/K+ transporting subunit alpha 3; minus strand). Cytogenetic location: 19q13.2.
Variant type: Deletion.
Coding change: c.1012_1014del on transcript NM_152296.5 (MANE Select); coding-DNA positions 1012 to 1014, 3 bases deleted (GCC; older notation c.1012_1014delGCC).
Protein change: p.Ala338del; deletes alanine 338.
Genome position (GRCh38, 1-based): chr19:41,982,086-41,982,088, GGC deleted on the plus strand (GCC on the coding strand, the reverse complement: ATP1A3 is on the minus strand); deleting any 3 consecutive bases within chr19:41,982,086-41,982,090 gives the same sequence; the c. name uses the placement nearest the transcript's 3' end. VCF-style (leftmost placement, unchanged base first): chr19-41982085-TGGC-T. GRCh37 (hg19) VCF-style: chr19-42486237-TGGC-T.
Other names: c.1045_1047del, p.Ala349del (NM_001256213.2); c.1051_1053del, p.Ala351del (NM_001256214.2); short protein forms A338del, A349del, A351del.
Identifiers: ClinVar variation 3372910 (VCV003372910.2).

ClinVar aggregate classification (germline): Uncertain significance (1 of 4 stars; one submission).

Submission:

GeneDx
Classification: Uncertain significance. Last evaluated: 2025-08-12. Review status: criteria provided, single submitter. Criteria: GeneDx Variant Classification Process June 2021. Collection method: clinical testing. Allele origin: germline. Affected: yes.
Comment: Not observed at significant frequency in large population cohorts (gnomAD); In-frame deletion of 1 amino acid in a non-repeat region; In silico analysis supports a deleterious effect on protein structure/function; Has not been previously published as pathogenic or benign to our knowledge